The following is an entry in ClinVar:

NM_000744.7(CHRNA4):c.1158C>G (p.Pro386=)

Gene: CHRNA4 (cholinergic receptor nicotinic alpha 4 subunit; minus strand). Cytogenetic location: 20q13.33.
Variant type: single nucleotide variant.
Coding change: c.1158C>G on transcript NM_000744.7 (MANE Select); coding-DNA position 1158, C replaced by G.
Protein change: p.Pro386=; no amino-acid change (proline 386 retained).
Molecular consequence: synonymous variant. On other transcripts: non-coding transcript variant (1).
Genome position (GRCh38, 1-based): chr20:63,350,253, G>C on the plus strand (C>G on the coding strand, the complement: CHRNA4 is on the minus strand). VCF-style: chr20-63350253-G-C. GRCh37 (hg19) VCF-style: chr20-61981605-G-C.
Other names: c.630C>G, p.Pro210= (NM_001256573.2).
Identifiers: ClinVar variation 377675 (VCV000377675.18), dbSNP rs45564639, ClinGen allele CA9957644.
Genomic context (GRCh38, chr20:63,350,253, plus strand): 5'-CGGTGAGGGCGGGTGCAGGCTCTGGGTGCCGCTCGTGGCAGGGGGCTCCCCTTCTGGCTC[G>C]GGCCAGAAGCGCGGGGCACTGGCCATCTTATGCATGGACTCGATGAGCCGCCGGCAATTG-3'
Protein context (NP_000735.1, residues 376-396): HKMASAPRFW[Pro386=]EPEGEPPATS

ClinVar aggregate classification (germline): Benign/Likely benign. Review status: criteria provided, multiple submitters, no conflicts (2 of 4 stars). 6 submissions from 6 submitters: Benign (3); Likely benign (2). 1 of the submissions does not count toward it. Last evaluated 2026-01-19.

Conditions:
Familial sleep-related hypermotor epilepsy. Also called: Autosomal Dominant Sleep-Related Hypermotor (Hyperkinetic) Epilepsy. Identifiers: Orphanet 98784, MedGen C3696898, MONDO:0000030.
Inborn genetic diseases. Identifiers: MedGen C0950123, MeSH D030342.
CHRNA4-related disorder. Also called: CHRNA4-related condition.

Allele frequency attached by ClinVar (database versions not stated): ESP Exome Variant Server 0.00031; TOPMed 0.00076; 1000 Genomes Project 0.00100; 1000 Genomes Project 30x 0.00141.

Submissions (6):

Labcorp Genetics (formerly Invitae), Labcorp
Classification: Benign. Last evaluated: 2026-01-19. Review status: criteria provided, single submitter. Criteria: Invitae Variant Classification Sherloc (09022015). Collection method: clinical testing. Allele origin: germline.

Blueprint Genetics
Classification: Likely benign. Last evaluated: 2024-07-05. Review status: criteria provided, single submitter. Criteria: ACMG Guidelines, 2015. Collection method: clinical testing. Allele origin: germline.

Ambry Genetics
Classification: Likely benign for Inborn genetic diseases. Last evaluated: 2017-06-15. Review status: criteria provided, single submitter. Criteria: Ambry Variant Classification Scheme 2023. Collection method: clinical testing. Allele origin: germline.

GeneDx
Classification: Benign. Last evaluated: 2015-05-04. Review status: criteria provided, single submitter. Criteria: GeneDx Variant Classification (06012015). Collection method: clinical testing. Allele origin: germline. Affected: yes.
Comment: This variant is considered likely benign or benign based on one or more of the following criteria: it is a conservative change, it occurs at a poorly conserved position in the protein, it is predicted to be benign by multiple in silico algorithms, and/or has population frequency not consistent with disease.

Breakthrough Genomics
Classification: Benign. Review status: criteria provided, single submitter. Criteria: ACMG Guidelines, 2015. Collection method: not provided. Allele origin: germline. Inheritance: Autosomal dominant inheritance. Affected: yes.

PreventionGenetics, part of Exact Sciences
Classification: Likely benign for CHRNA4-related condition. Last evaluated: 2019-03-12. Review status: no assertion criteria provided. Collection method: clinical testing. Allele origin: germline. Not counted in ClinVar's aggregate classification.
Comment: This variant is classified as likely benign based on ACMG/AMP sequence variant interpretation guidelines (Richards et al. 2015 PMID: 25741868, with internal and published modifications).